The following is an entry in ClinVar:

NM_005198.5(CHKB):c.902C>T (p.Thr301Ile)

Genes: CHKB (choline kinase beta; minus strand), CHKB-CPT1B (CHKB-CPT1B readthrough (NMD candidate); minus strand). Cytogenetic location: 22q13.33.
Variant type: single nucleotide variant.
Coding change: c.902C>T on transcript NM_005198.5 (MANE Select); coding-DNA position 902, C replaced by T.
Protein change: p.Thr301Ile; replaces threonine 301 with isoleucine.
Molecular consequence: missense variant. On other transcripts: non-coding transcript variant (1).
Genome position (GRCh38, 1-based): chr22:50,579,999, G>A on the plus strand (C>T on the coding strand, the complement: CHKB is on the minus strand). VCF-style: chr22-50579999-G-A. GRCh37 (hg19) VCF-style: chr22-51018428-G-A.
Other names: p.Thr301Ile; short protein forms T301I.
Identifiers: ClinVar variation 468477 (VCV000468477.31), dbSNP rs147485527, ClinGen allele CA10323598.

ClinVar aggregate classification (germline): Conflicting classifications of pathogenicity. Review status: criteria provided, conflicting classifications (1 of 4 stars). 4 submissions from 4 submitters: Uncertain significance (3); Likely benign (1). Last evaluated 2025-10-30.

Conditions:
Megaconial type congenital muscular dystrophy (MDCMC). Also called: CHKB-Related Muscular Dystrophy; CHKB-Related Muscle Diseases; MUSCULAR DYSTROPHY, CONGENITAL, WITH MITOCHONDRIAL STRUCTURAL ABNORMALITIES. Identifiers: Orphanet 280671, MedGen C1865233, MONDO:0011246, OMIM 602541.

Allele frequency attached by ClinVar (database versions not stated): 1000 Genomes Project 30x 0.00016; gnomAD exomes 0.00016 and 0.00022; 1000 Genomes Project 0.00020; ExAC 0.00021; gnomAD 0.00022 and 0.00024; ESP Exome Variant Server 0.00023; TOPMed 0.00029.

Submissions (4):

Mayo Clinic Laboratories, Mayo Clinic
Classification: Uncertain significance. Last evaluated: 2025-10-30. Review status: criteria provided, single submitter. Criteria: ACMG Guidelines, 2015. Collection method: clinical testing. Allele origin: germline. Observed: 1 variant allele.
Comment: BP4_moderate

Labcorp Genetics (formerly Invitae), Labcorp
Classification: Uncertain significance for Megaconial type congenital muscular dystrophy. Last evaluated: 2025-01-30. Review status: criteria provided, single submitter. Criteria: Invitae Variant Classification Sherloc (09022015). Collection method: clinical testing. Allele origin: germline.
Comment: This sequence change replaces threonine, which is neutral and polar, with isoleucine, which is neutral and non-polar, at codon 301 of the CHKB protein (p.Thr301Ile). This variant is present in population databases (rs147485527, gnomAD 0.05%). This missense change has been observed in individual(s) with congenital muscular dystrophy with mitochondrial structural abnormalities (PMID: 21665002, 25326637). ClinVar contains an entry for this variant (Variation ID: 468477). Invitae Evidence Modeling of protein sequence and biophysical properties (such as structural, functional, and spatial information, amino acid conservation, physicochemical variation, residue mobility, and thermodynamic stability) indicates that this missense variant is not expected to disrupt CHKB protein function with a negative predictive value of 80%. Experimental studies have shown that this missense change does not substantially affect CHKB function (PMID: 21665002). In summary, the available evidence is currently insufficient to determine the role of this variant in disease. Therefore, it has been classified as a Variant of Uncertain Significance.

Revvity Omics, Revvity
Classification: Uncertain significance for Megaconial type congenital muscular dystrophy. Last evaluated: 2024-09-12. Review status: criteria provided, single submitter. Criteria: ACMG Guidelines, 2015. Collection method: clinical testing. Allele origin: germline.

CeGaT Center for Human Genetics Tuebingen
Classification: Likely benign. Last evaluated: 2023-03-01. Review status: criteria provided, single submitter. Criteria: CeGaT Center For Human Genetics Tuebingen Variant Classification Criteria Version 2. Collection method: clinical testing. Allele origin: germline. Affected: yes. Observed: 1 variant allele.
Comment: CHKB: BP4

Literature cited by the submitters: PubMed 21665002 (cited by Mayo Clinic Laboratories, Mayo Clinic and Labcorp Genetics (formerly Invitae), Labcorp); PubMed 25326637 (cited by Mayo Clinic Laboratories, Mayo Clinic and Labcorp Genetics (formerly Invitae), Labcorp).